The following is an entry in ClinVar:

ClinVar aggregate classification (germline): Uncertain significance (1 of 4 stars; one submission).

Conditions:
Cardiovascular phenotype. Identifiers: MedGen CN230736.

gnomAD v4.1: 1 of 1,614,064 alleles (0.000062%); highest among the groups gnomAD compares: Non-Finnish European, 0.000085%; no homozygotes.

Submission:

Ambry Genetics
Classification: Uncertain significance for Cardiovascular phenotype. Last evaluated: 2025-03-18. Review status: criteria provided, single submitter. Criteria: Ambry Variant Classification Scheme 2023. Collection method: clinical testing. Allele origin: germline.
Comment: The p.P3434L variant (also known as c.10301C>T), located in coding exon 26 of the APOB gene, results from a C to T substitution at nucleotide position 10301. The proline at codon 3434 is replaced by leucine, an amino acid with similar properties. This amino acid position is conserved. In addition, this alteration is predicted to be deleterious by in silico analysis. Based on the available evidence, the clinical significance of this variant remains unclear.

NM_000384.3(APOB):c.10301C>T (p.Pro3434Leu)

Gene: APOB (apolipoprotein B; minus strand). Cytogenetic location: 2p24.1.
Variant type: single nucleotide variant.
Coding change: c.10301C>T on transcript NM_000384.3 (MANE Select); coding-DNA position 10301, C replaced by T.
Protein change: p.Pro3434Leu; replaces proline 3434 with leucine.
Molecular consequence: missense variant.
Genome position (GRCh38, 1-based): chr2:21,006,567, G>A on the plus strand (C>T on the coding strand, the complement: APOB is on the minus strand). VCF-style: chr2-21006567-G-A. GRCh37 (hg19) VCF-style: chr2-21229439-G-A.
Other names: short protein forms P3434L.
Identifiers: ClinVar variation 3932479 (VCV003932479.1).